The following is an entry in ClinVar:

NM_001148.6(ANK2):c.8857A>G (p.Ser2953Gly)

Gene: ANK2 (ankyrin 2; plus strand). Cytogenetic location: 4q26.
Variant type: single nucleotide variant.
Coding change: c.8857A>G on transcript NM_001148.6 (MANE Select); coding-DNA position 8857, A replaced by G.
Protein change: p.Ser2953Gly; replaces serine 2953 with glycine.
Molecular consequence: missense variant. On other transcripts: intron variant (68).
Genome position (GRCh38, 1-based): chr4:113,357,475, A>G. VCF-style: chr4-113357475-A-G. GRCh37 (hg19) VCF-style: chr4-114278631-A-G.
Other names: c.8623A>G, p.Ser2875Gly (NM_001386142.1); c.5257A>G, p.Ser1753Gly (NM_001386166.1); c.8998A>G, p.Ser3000Gly (NM_001386174.1); c.8974A>G, p.Ser2992Gly (NM_001386175.1); c.4412-3348A>G (NM_001386186.2, NM_001386148.2); c.4214-3348A>G (NM_001354269.3); c.4292-3348A>G (NM_001386187.2); c.4253-3348A>G (NM_001386147.1); and 35 more; short protein forms S1753G, S2875G, S3000G, S2953G, S2992G.
Identifiers: ClinVar variation 1764894 (VCV001764894.3), dbSNP rs1171679481, ClinGen allele CA357935689.

ClinVar aggregate classification (germline): Uncertain significance (1 of 4 stars; one submission).

Conditions:
Cardiovascular phenotype. Identifiers: MedGen CN230736.

Allele frequency attached by ClinVar (database versions not stated): gnomAD 0.00001.
gnomAD v4.1: 8 of 1,613,980 alleles (0.0005%); highest among the groups gnomAD compares: Non-Finnish European, 0.00068%; no homozygotes.

Submission:

Ambry Genetics
Classification: Uncertain significance for Cardiovascular phenotype. Last evaluated: 2025-02-09. Review status: criteria provided, single submitter. Criteria: Ambry Variant Classification Scheme 2023. Collection method: clinical testing. Allele origin: germline.
Comment: The p.S2953G variant (also known as c.8857A>G), located in coding exon 38 of the ANK2 gene, results from an A to G substitution at nucleotide position 8857. The serine at codon 2953 is replaced by glycine, an amino acid with similar properties. This amino acid position is conserved. In addition, this alteration is predicted to be tolerated by in silico analysis. Since supporting evidence is limited at this time, the clinical significance of this alteration remains unclear.